The following is an entry in ClinVar:

NM_001035.3(RYR2):c.12826G>A (p.Val4276Met)

Genes: RYR2 (ryanodine receptor 2; plus strand), LOC126806068 (BRD4-independent group 4 enhancer GRCh37_chr1:237947411-237948610; plus strand). Cytogenetic location: 1q43.
Variant type: single nucleotide variant.
Coding change: c.12826G>A on transcript NM_001035.3 (MANE Select); coding-DNA position 12826, G replaced by A.
Protein change: p.Val4276Met; replaces valine 4276 with methionine.
Molecular consequence: missense variant.
Genome position (GRCh38, 1-based): chr1:237,784,538, G>A. VCF-style: chr1-237784538-G-A. GRCh37 (hg19) VCF-style: chr1-237947838-G-A.
Other names: p.V4276M:GTG>ATG; c.12826G>A, p.Val4276Met (LRG_402t1); short protein forms V4276M.
Identifiers: ClinVar variation 201184 (VCV000201184.16), dbSNP rs368599791, ClinGen allele CA007704.
Genomic context (GRCh38, chr1:237,784,538, plus strand): 5'-ATGCGAATGCTCAGTCTGAAGAGCCTGAAGAAGCAGATGAAAAAAGTAAAAAAGATGACC[G>A]TGAAGGACATGGTCACGGCCTTCTTTTCATCCTACTGGAGTATTTTCATGACCCTCTTGC-3'
Protein context (NP_001026.2, residues 4266-4286): KQMKKVKKMT[Val4276Met]KDMVTAFFSS

ClinVar aggregate classification (germline): Conflicting classifications of pathogenicity. Review status: criteria provided, conflicting classifications (1 of 4 stars). 4 submissions from 4 submitters: Uncertain significance (1); Likely benign (3). Last evaluated 2025-09-25.

Conditions:
Cardiovascular phenotype. Identifiers: MedGen CN230736.
Cardiomyopathy (CMYO). Also called: Cardiomyopathies. Identifiers: Orphanet 167848, MedGen C0878544, MONDO:0004994, HP:0001638. Inheritance: Various modes of inheritance.
Catecholaminergic polymorphic ventricular tachycardia 1. Also called: RYR2-Related Catecholaminergic Polymorphic Ventricular Tachycardia; VENTRICULAR TACHYCARDIA, CATECHOLAMINERGIC POLYMORPHIC, 1, WITH OR WITHOUT ATRIAL DYSFUNCTION AND/OR DILATED CARDIOMYOPATHY; VENTRICULAR TACHYCARDIA, STRESS-INDUCED POLYMORPHIC 1. Identifiers: Orphanet 3286, MedGen C1631597, MONDO:0011484, OMIM 604772.

Allele frequency attached by ClinVar (database versions not stated): gnomAD 0.00001; gnomAD exomes 0.00002 and 0.00003; TOPMed 0.00003; ExAC 0.00004; ESP Exome Variant Server 0.00008; 1000 Genomes Project 30x 0.00016; 1000 Genomes Project 0.00020.
gnomAD v4.1: 45 of 1,613,834 alleles (0.0028%); highest among the groups gnomAD compares: Admixed American, 0.0067%; no homozygotes.

Submissions (4):

Labcorp Genetics (formerly Invitae), Labcorp
Classification: Uncertain significance for Catecholaminergic polymorphic ventricular tachycardia 1. Last evaluated: 2025-09-25. Review status: criteria provided, single submitter. Criteria: Invitae Variant Classification Sherloc (09022015). Collection method: clinical testing. Allele origin: germline.
Comment: This sequence change replaces valine, which is neutral and non-polar, with methionine, which is neutral and non-polar, at codon 4276 of the RYR2 protein (p.Val4276Met). This variant is present in population databases (rs368599791, gnomAD 0.007%). This variant has not been reported in the literature in individuals affected with RYR2-related conditions. ClinVar contains an entry for this variant (Variation ID: 201184). Invitae Evidence Modeling of protein sequence and biophysical properties (such as structural, functional, and spatial information, amino acid conservation, physicochemical variation, residue mobility, and thermodynamic stability) indicates that this missense variant is not expected to disrupt RYR2 protein function with a negative predictive value of 95%. In summary, the available evidence is currently insufficient to determine the role of this variant in disease. Therefore, it has been classified as a Variant of Uncertain Significance.

Color Diagnostics, LLC DBA Color Health
Classification: Likely benign for Cardiomyopathy. Last evaluated: 2024-09-04. Review status: criteria provided, single submitter. Criteria: ACMG Guidelines, 2015. Collection method: clinical testing. Allele origin: germline.

Ambry Genetics
Classification: Likely benign for Cardiovascular phenotype. Last evaluated: 2023-04-04. Review status: criteria provided, single submitter. Criteria: Ambry Variant Classification Scheme 2023. Collection method: clinical testing. Allele origin: germline.

GeneDx
Classification: Likely benign. Last evaluated: 2014-04-16. Review status: criteria provided, single submitter. Criteria: GeneDx Variant Classification (06012015). Collection method: clinical testing. Allele origin: germline. Affected: yes.
Comment: This variant is considered likely benign or benign based on one or more of the following criteria: it is a conservative change, it occurs at a poorly conserved position in the protein, it is predicted to be benign by multiple in silico algorithms, and/or has population frequency not consistent with disease.